The following is an entry in ClinVar:

NM_005502.4(ABCA1):c.*1768T>A

Genes: ABCA1 (ATP binding cassette subfamily A member 1; minus strand), NIPSNAP3B (nipsnap homolog 3B; plus strand). Cytogenetic location: 9q31.1.
Variant type: single nucleotide variant.
Coding change: c.*1768T>A on transcript NM_005502.4 (MANE Select); 1768 bases downstream of the stop codon, T replaced by A.
Molecular consequence: 3 prime UTR variant.
Genome position (GRCh38, 1-based): chr9:104,782,547, A>T on the plus strand (T>A on the coding strand, the complement: ABCA1 is on the minus strand). VCF-style: chr9-104782547-A-T. GRCh37 (hg19) VCF-style: chr9-107544828-A-T.
Identifiers: ClinVar variation 364342 (VCV000364342.5), dbSNP rs535255845, ClinGen allele CA10628645.

ClinVar aggregate classification (germline): Conflicting classifications of pathogenicity. Review status: criteria provided, conflicting classifications (1 of 4 stars). 2 submissions from 1 submitter: Uncertain significance (1); Benign (1). Last evaluated 2018-01-13.

Conditions:
Hypoalphalipoproteinemia, primary, 1. Identifiers: Orphanet 425, MedGen C5231558, MONDO:0011393, OMIM 604091.
Tangier disease (TGD). Also called: HIGH DENSITY LIPOPROTEIN DEFICIENCY, TANGIER TYPE; HIGH DENSITY LIPOPROTEIN DEFICIENCY, TYPE 1; Cholesterol thesaurismosis. Identifiers: Orphanet 31150, MedGen C0039292, MONDO:0008783, OMIM 205400.

Allele frequency attached by ClinVar (database versions not stated): TOPMed 0.00013; gnomAD 0.00014 and 0.00017; 1000 Genomes Project 30x 0.00031; 1000 Genomes Project 0.00040.
gnomAD v4.1: 26 of 152,304 alleles (0.017%); highest among the groups gnomAD compares: South Asian, 0.17%; 1 homozygote.

Submissions (2):

Illumina Laboratory Services, Illumina
Classification: Uncertain significance for Tangier disease. Last evaluated: 2018-01-13. Review status: criteria provided, single submitter. Criteria: ICSL Variant Classification Criteria 13 December 2019. Collection method: clinical testing. Allele origin: germline.

Illumina Laboratory Services, Illumina
Classification: Benign for Hypoalphalipoproteinemia, primary, 1. Last evaluated: 2018-01-13. Review status: criteria provided, single submitter. Criteria: ICSL Variant Classification Criteria 13 December 2019. Collection method: clinical testing. Allele origin: germline.
Comment: This variant was observed in the ICSL laboratory as part of a predisposition screen in an ostensibly healthy population. It had not been previously curated by ICSL or reported in the Human Gene Mutation Database (HGMD: prior to June 1st, 2018), and was therefore a candidate for classification through an automated scoring system. Utilizing variant allele frequency, disease prevalence and penetrance estimates, and inheritance mode, an automated score was calculated to assess if this variant is too frequent to cause the disease. Based on the score and internal cut-off values, a variant classified as benign is not then subjected to further curation. The score for this variant resulted in a classification of benign for this disease.